The following is an entry in ClinVar:

ClinVar aggregate classification (germline): Uncertain significance (1 of 4 stars; one submission).

Conditions:
Arrhythmogenic right ventricular dysplasia 11. Also called: Arrhythmogenic right ventricular dysplasia 11 with mild palmoplantar keratoderma and woolly hair; Arrhythmogenic Right Ventricular Dysplasia/Cardiomyopathy11; ARRHYTHMOGENIC RIGHT VENTRICULAR DYSPLASIA, FAMILIAL, 11. Identifiers: MedGen C1864850, MONDO:0012506, OMIM 610476.

Submission:

Labcorp Genetics (formerly Invitae), Labcorp
Classification: Uncertain significance for Arrhythmogenic right ventricular dysplasia 11. Last evaluated: 2018-02-08. Review status: criteria provided, single submitter. Criteria: Invitae Variant Classification Sherloc (09022015). Collection method: clinical testing. Allele origin: germline.
Comment: Algorithms developed to predict the effect of missense changes on protein structure and function (SIFT, PolyPhen-2, Align-GVGD) all suggest that this variant is likely to be tolerated, but these predictions have not been confirmed by published functional studies and their clinical significance is uncertain. In summary, the available evidence is currently insufficient to determine the role of this variant in disease. Therefore, it has been classified as a Variant of Uncertain Significance. This sequence change replaces threonine with alanine at codon 247 of the DSC2 protein (p.Thr247Ala). The threonine residue is weakly conserved and there is a small physicochemical difference between threonine and alanine. This variant has not been reported in the literature in individuals with DSC2-related disease. This variant is not present in population databases (ExAC no frequency).

NM_024422.6(DSC2):c.739A>G (p.Thr247Ala)

Gene: DSC2 (desmocollin 2; minus strand). Cytogenetic location: 18q12.1.
Variant type: single nucleotide variant.
Coding change: c.739A>G on transcript NM_024422.6 (MANE Select); coding-DNA position 739, A replaced by G.
Protein change: p.Thr247Ala; replaces threonine 247 with alanine.
Molecular consequence: missense variant.
Genome position (GRCh38, 1-based): chr18:31,087,705, T>C on the plus strand (A>G on the coding strand, the complement: DSC2 is on the minus strand). VCF-style: chr18-31087705-T-C. GRCh37 (hg19) VCF-style: chr18-28667668-T-C.
Other names: c.739A>G, p.Thr247Ala (NM_004949.5); short protein forms T247A.
Identifiers: ClinVar variation 578004 (VCV000578004.8), dbSNP rs1567980622, ClinGen allele CA402112702.